The following is an entry in ClinVar:

NM_000548.5(TSC2):c.225+1G>A

Gene: TSC2 (TSC complex subunit 2; plus strand). Cytogenetic location: 16p13.3.
Variant type: single nucleotide variant.
Coding change: c.225+1G>A on transcript NM_000548.5 (MANE Select); the canonical splice donor site of the intron after coding-DNA position 225, G replaced by A.
Molecular consequence: splice donor variant.
Genome position (GRCh38, 1-based): chr16:2,050,487, G>A. VCF-style: chr16-2050487-G-A. GRCh37 (hg19) VCF-style: chr16-2100488-G-A.
Other names: c.-2+1G>A (NM_001406684.1, NM_001406685.1, NM_001318831.2 and 3 more transcripts); c.78+1G>A (NM_001406677.1, NM_001406675.1, NM_001406676.1 and 2 more transcripts); c.258+1G>A (NM_001318832.2); c.-1513+1G>A (NM_001406693.1); c.225+1G>A (NM_001406667.1, NM_001406668.1, NM_001114382.3 and 13 more transcripts); c.-592+1G>A (NM_001406680.1, NM_001406683.1, NM_001406687.1); c.-1207+1G>A (NM_001406689.1, NM_001406690.1, NM_001406692.1 and 2 more transcripts); c.-1383+1G>A (NM_001406698.1); and 3 more.
Identifiers: ClinVar variation 626196 (VCV000626196.13), dbSNP rs1567387207, ClinGen allele CA394303666.

ClinVar aggregate classification (germline): Pathogenic/Likely pathogenic. Review status: criteria provided, multiple submitters, no conflicts (2 of 4 stars). 3 submissions from 3 submitters: Pathogenic (2); Likely pathogenic (1). Last evaluated 2026-06-05.

Conditions:
Tuberous sclerosis syndrome (TSC). Also called: Tuberous Sclerosis Complex; Tuberous sclerosis. Identifiers: Orphanet 805, MedGen C0041341, MONDO:0001734.
Tuberous sclerosis 2 (TSC2). Identifiers: Orphanet 805, MedGen C1860707, MONDO:0013199, OMIM 613254.

Submissions (3):

Center for Genomics, Ann and Robert H. Lurie Children's Hospital of Chicago
Classification: Pathogenic for Tuberous sclerosis syndrome. Last evaluated: 2026-06-05. Review status: criteria provided, single submitter. Criteria: ACMG Guidelines, 2015. Collection method: clinical testing. Allele origin: germline. Inheritance: Autosomal dominant inheritance.
Comment: This variant alters the consensus splice acceptor dinucleotide (-1,-2) and is expected to disrupt normal RNA splicing and is predicted to result in the in-frame skipping of exon 3. It is not present in gnomAD and has been submitted to ClinVar (Accession: VCV000626196.12). In summary, this variant is classified as pathogenic.

Labcorp Genetics (formerly Invitae), Labcorp
Classification: Likely pathogenic for Tuberous sclerosis 2. Last evaluated: 2024-11-04. Review status: criteria provided, single submitter. Criteria: Invitae Variant Classification Sherloc (09022015). Collection method: clinical testing. Allele origin: germline.
Comment: This sequence change affects a donor splice site in intron 3 of the TSC2 gene. It is expected to disrupt RNA splicing. Variants that disrupt the donor or acceptor splice site typically lead to a loss of protein function (PMID: 16199547), and loss-of-function variants in TSC2 are known to be pathogenic (PMID: 10205261, 17304050). This variant is not present in population databases (gnomAD no frequency). Disruption of this splice site has been observed in individual(s) with clinical features of TSC2-related conditions (PMID: 21520333). ClinVar contains an entry for this variant (Variation ID: 626196). Algorithms developed to predict the effect of sequence changes on RNA splicing suggest that this variant may disrupt the consensus splice site. In summary, the currently available evidence indicates that the variant is pathogenic, but additional data are needed to prove that conclusively. Therefore, this variant has been classified as Likely Pathogenic.

3billion
Classification: Pathogenic for Tuberous sclerosis 2. Last evaluated: 2023-02-23. Review status: criteria provided, single submitter. Criteria: ACMG Guidelines, 2015. Collection method: clinical testing. Allele origin: unknown. Affected: yes.
Comment: The variant is not observed in the gnomAD v2.1.1 dataset. This variant was predicted to alter splicing and result in a loss or disruption of normal protein function. Multiple pathogenic loss-of-function variants are reported downstream of the variant. The variant has been reported at least twice as pathogenic without evidence for the classification (ClinVar ID: VCV000626196). Therefore, this variant is classified as Pathogenic according to the recommendation of ACMG/AMP guideline.

Literature cited by the submitters: PubMed 39941308 (cited by Center for Genomics, Ann and Robert H. Lurie Children's Hospital of Chicago); PubMed 39843441 (cited by Center for Genomics, Ann and Robert H. Lurie Children's Hospital of Chicago); PubMed 16199547 (cited by Labcorp Genetics (formerly Invitae), Labcorp); PubMed 10205261 (cited by Labcorp Genetics (formerly Invitae), Labcorp); PubMed 17304050 (cited by Labcorp Genetics (formerly Invitae), Labcorp); PubMed 21520333 (cited by Labcorp Genetics (formerly Invitae), Labcorp).